The following is an entry in ClinVar:

NM_000287.4(PEX6):c.1463G>A (p.Gly488Glu)

Gene: PEX6 (peroxisomal biogenesis factor 6; minus strand). Cytogenetic location: 6p21.1.
Variant type: single nucleotide variant.
Coding change: c.1463G>A on transcript NM_000287.4 (MANE Select); coding-DNA position 1463, G replaced by A.
Protein change: p.Gly488Glu; replaces glycine 488 with glutamic acid.
Molecular consequence: missense variant. On other transcripts: non-coding transcript variant (1).
Genome position (GRCh38, 1-based): chr6:42,968,890, C>T on the plus strand (G>A on the coding strand, the complement: PEX6 is on the minus strand). VCF-style: chr6-42968890-C-T. GRCh37 (hg19) VCF-style: chr6-42936628-C-T.
Other names: c.1199G>A, p.Gly400Glu (NM_001316313.2); short protein forms G400E, G488E.
Identifiers: ClinVar variation 2177644 (VCV002177644.1), dbSNP rs1384001984, ClinGen allele CA364155189.

ClinVar aggregate classification (germline): Uncertain significance (1 of 4 stars; one submission).

Conditions:
Peroxisome biogenesis disorder. Identifiers: Orphanet 79189, MedGen C1832200, MONDO:0019234. Disease mechanism: loss of function.

Allele frequency attached by ClinVar (database versions not stated): gnomAD 0.00001; gnomAD exomes 0.00001; TOPMed 0.00001.

Submission:

Labcorp Genetics (formerly Invitae), Labcorp
Classification: Uncertain significance for Peroxisome biogenesis disorder. Last evaluated: 2022-05-05. Review status: criteria provided, single submitter. Criteria: Invitae Variant Classification Sherloc (09022015). Collection method: clinical testing. Allele origin: germline.
Comment: This sequence change replaces glycine, which is neutral and non-polar, with glutamic acid, which is acidic and polar, at codon 488 of the PEX6 protein (p.Gly488Glu). This variant is present in population databases (no rsID available, gnomAD 0.006%). This variant has not been reported in the literature in individuals affected with PEX6-related conditions. Algorithms developed to predict the effect of missense changes on protein structure and function are either unavailable or do not agree on the potential impact of this missense change (SIFT: "Tolerated"; PolyPhen-2: "Possibly Damaging"; Align-GVGD: "Class C0"). In summary, the available evidence is currently insufficient to determine the role of this variant in disease. Therefore, it has been classified as a Variant of Uncertain Significance.